The following is an entry in ClinVar:

ClinVar aggregate classification (germline): Benign/Likely benign. Review status: criteria provided, multiple submitters, no conflicts (2 of 4 stars). 4 submissions from 4 submitters: Benign (1); Likely benign (2). 1 of the submissions does not count toward it. Last evaluated 2025-12-16.

Conditions:
CNOT1-related disorder. Also called: CNOT1-related condition.

Allele frequency attached by ClinVar (database versions not stated): 1000 Genomes Project 30x 0.00031; 1000 Genomes Project 0.00040; ESP Exome Variant Server 0.00054; gnomAD 0.00115.
gnomAD v4.1: 1,425 of 1,611,688 alleles (0.088%); highest among the groups gnomAD compares: Non-Finnish European, 0.06%; 9 homozygotes.

Submissions (4):

Labcorp Genetics (formerly Invitae), Labcorp
Classification: Benign. Last evaluated: 2025-12-16. Review status: criteria provided, single submitter. Criteria: Invitae Variant Classification Sherloc (09022015). Collection method: clinical testing. Allele origin: germline.

CeGaT Center for Human Genetics Tuebingen
Classification: Likely benign. Last evaluated: 2025-09-01. Review status: criteria provided, single submitter. Criteria: CeGaT Center For Human Genetics Tuebingen Variant Classification Criteria Version 2. Collection method: clinical testing. Allele origin: germline. Affected: yes. Observed: 5 variant alleles.
Comment: CNOT1: BP4, BP7

Blueprint Genetics
Classification: Likely benign. Last evaluated: 2024-10-31. Review status: criteria provided, single submitter. Criteria: ACMG Guidelines, 2015. Collection method: clinical testing. Allele origin: germline.

PreventionGenetics, part of Exact Sciences
Classification: Benign for CNOT1-related condition. Last evaluated: 2019-06-26. Review status: no assertion criteria provided. Collection method: clinical testing. Allele origin: germline. Not counted in ClinVar's aggregate classification.
Comment: This variant is classified as benign based on ACMG/AMP sequence variant interpretation guidelines (Richards et al. 2015 PMID: 25741868, with internal and published modifications).

NM_016284.5(CNOT1):c.432C>T (p.Phe144=)

Gene: CNOT1 (CCR4-NOT transcription complex subunit 1; minus strand). Cytogenetic location: 16q21.
Variant type: single nucleotide variant.
Coding change: c.432C>T on transcript NM_016284.5 (MANE Select); coding-DNA position 432, C replaced by T.
Protein change: p.Phe144=; no amino-acid change (phenylalanine 144 retained).
Molecular consequence: synonymous variant. On other transcripts: non-coding transcript variant (1).
Genome position (GRCh38, 1-based): chr16:58,587,202, G>A on the plus strand (C>T on the coding strand, the complement: CNOT1 is on the minus strand). VCF-style: chr16-58587202-G-A. GRCh37 (hg19) VCF-style: chr16-58621106-G-A.
Other names: c.432C>T, p.Phe144= (NM_001265612.2, NM_206999.3); c.432C>T (NM_016284.4).
Identifiers: ClinVar variation 2075380 (VCV002075380.30), dbSNP rs148257324, ClinGen allele CA8090187.
Genomic context (GRCh38, chr16:58,587,202, plus strand): 5'-TTAAAAACCCACGTATTTTAAAGTCTCACTTCGTGATATTTTTGGAAAAAGTAACTCACC[G>A]AAACCTCTAAGATCTGAGCTGGAAGAATTCAACAGGGCAAGGCCAAAAATTACCTGAAAC-3'
Protein context (NP_057368.3, residues 134-154): LNSSSSDLRG[Phe144=]AAQFIKQKLP